The following is an entry in ClinVar:

ClinVar aggregate classification (germline): Likely benign (1 of 4 stars; one submission).

Allele frequency attached by ClinVar (database versions not stated): gnomAD exomes below 0.00001; ExAC 0.00001.
gnomAD v4.1: 5 of 1,613,248 alleles (0.00031%); highest among the groups gnomAD compares: South Asian, 0.0044%; no homozygotes.

Submission:

CeGaT Center for Human Genetics Tuebingen
Classification: Likely benign. Last evaluated: 2022-07-01. Review status: criteria provided, single submitter. Criteria: CeGaT Center For Human Genetics Tuebingen Variant Classification Criteria Version 2. Collection method: clinical testing. Allele origin: germline. Affected: yes. Observed: 1 variant allele.
Comment: MUC4: BP4, BP7

NM_018406.7(MUC4):c.2478G>A (p.Glu826=)

Gene: MUC4 (mucin 4, cell surface associated). Cytogenetic location: 3q29.
Variant type: single nucleotide variant.
Coding change: c.2478G>A on transcript NM_018406.7 (MANE Select); coding-DNA position 2478, G replaced by A.
Protein change: p.Glu826=; no amino-acid change (glutamic acid 826 retained).
Molecular consequence: synonymous variant. On other transcripts: genic upstream transcript variant (2).
Genome position (GRCh38, 1-based): chr3:195,789,102, C>T on the plus strand (G>A on the coding strand, the complement: MUC4 is on the minus strand). VCF-style: chr3-195789102-C-T. GRCh37 (hg19) VCF-style: chr3-195515973-C-T.
Other names: c.2493G>A, p.Glu831= (NM_001322468.1); c.83-14797G>A (NM_138297.5); c.83-10647G>A (NM_004532.6).
Identifiers: ClinVar variation 2654487 (VCV002654487.24), dbSNP rs758039772, ClinGen allele CA2775060.